The following is an entry in ClinVar:

ClinVar aggregate classification (germline): Uncertain significance. Review status: criteria provided, single submitter (1 of 4 stars). 2 submissions from 2 submitters: Uncertain significance (1). 1 of the submissions does not count toward it. Last evaluated 2025-11-18.

Conditions:
Ornithine aminotransferase deficiency (GACR). Also called: OKT DEFICIENCY; Ornithine ketoacid aminotransferase deficiency; Gyrate atrophy; Gyrate atrophy of choroid and retina; Girate atrophy of the retina; HYPERORNITHINEMIA WITH GYRATE ATROPHY OF CHOROID AND RETINA. Identifiers: Orphanet 414, MedGen C0018425, MONDO:0009796, OMIM 258870.

Allele frequency attached by ClinVar (database versions not stated): gnomAD exomes below 0.00001 and 0.00001; gnomAD 0.00001; TOPMed 0.00001.
gnomAD v4.1: 27 of 1,613,972 alleles (0.0017%); highest among the groups gnomAD compares: Non-Finnish European, 0.0017%; no homozygotes.

Submissions (2):

Myriad Genetics, Inc.
Classification: Uncertain significance for Ornithine aminotransferase deficiency. Last evaluated: 2025-11-18. Review status: criteria provided, single submitter. Criteria: Myriad Autosomal Dominant, Autosomal Recessive and X-Linked Classification Criteria (2023). Collection method: clinical testing. Allele origin: unknown.
Comment: NM_000274.3(OAT):c.734A>G(Y245C) is a missense variant classified as a variant of uncertain significance in the context of ornithine aminotransferase deficiency. Y245C has been observed in cases with relevant disease (PMID: 38219857, 1737786). Relevant functional assessments of this variant are not available in the literature. Y245C has been observed in referenced population frequency databases. In summary, there is insufficient evidence to classify NM_000274.3(OAT):c.734A>G(Y245C) as pathogenic or benign. Please note: this variant was assessed in the context of healthy population screening.

OMIM
Classification: Pathogenic for GYRATE ATROPHY OF CHOROID AND RETINA. Last evaluated: 1992-02-15. Review status: no assertion criteria provided. Collection method: literature only. Allele origin: germline. Not counted in ClinVar's aggregate classification.

Literature cited by the submitters: PubMed 1737786 (cited by Myriad Genetics, Inc. and OMIM); PubMed 38219857 (cited by Myriad Genetics, Inc.); PubMed 3339136 (cited by OMIM).

NM_000274.4(OAT):c.734A>G (p.Tyr245Cys)

Genes: OAT (ornithine aminotransferase; minus strand), LOC121815974 (Sharpr-MPRA regulatory region 15365; plus strand). Cytogenetic location: 10q26.13.
Variant type: single nucleotide variant.
Coding change: c.734A>G on transcript NM_000274.4 (MANE Select); coding-DNA position 734, A replaced by G.
Protein change: p.Tyr245Cys; replaces tyrosine 245 with cysteine.
Molecular consequence: missense variant.
Genome position (GRCh38, 1-based): chr10:124,403,835, T>C on the plus strand (A>G on the coding strand, the complement: OAT is on the minus strand). VCF-style: chr10-124403835-T-C. GRCh37 (hg19) VCF-style: chr10-126092404-T-C.
Other names: c.320A>G, p.Tyr107Cys (NM_001171814.2); c.734A>G, p.Tyr245Cys (NM_001322965.2, NM_001322966.2, NM_001322967.2 and 3 more transcripts); c.413A>G, p.Tyr138Cys (NM_001322971.2); c.134A>G, p.Tyr45Cys (NM_001322974.2); short protein forms Y245C, Y107C, Y45C, Y138C.
Identifiers: ClinVar variation 160 (VCV000000160.2), dbSNP rs121965046, ClinGen allele CA113952.